The following is an entry in ClinVar:

ClinVar aggregate classification (germline): Uncertain significance (1 of 4 stars; one submission).

Conditions:
Intellectual disability, autosomal recessive 53 (NEDHSCA). Also called: NEURODEVELOPMENTAL DISORDER WITH OR WITHOUT HYPOTONIA, SEIZURES, AND CEREBELLAR ATROPHY; GLYCOSYLPHOSPHATIDYLINOSITOL BIOSYNTHESIS DEFECT 13; Mental retardation, autosomal recessive 53. Identifiers: Orphanet 488635, MedGen C4310794, MONDO:0014832, OMIM 616917.

Allele frequency attached by ClinVar (database versions not stated): gnomAD exomes below 0.00001; gnomAD 0.00001; TOPMed 0.00004.
gnomAD v4.1: 5 of 1,613,366 alleles (0.00031%); highest among the groups gnomAD compares: African/African-American, 0.004%; no homozygotes.

Submission:

Labcorp Genetics (formerly Invitae), Labcorp
Classification: Uncertain significance for Intellectual disability, autosomal recessive 53. Last evaluated: 2018-04-19. Review status: criteria provided, single submitter. Criteria: Invitae Variant Classification Sherloc (09022015). Collection method: clinical testing. Allele origin: germline.
Comment: This sequence change replaces asparagine with aspartic acid at codon 56 of the PIGG protein (p.Asn56Asp). The asparagine residue is highly conserved and there is a small physicochemical difference between asparagine and aspartic acid. This variant is not present in population databases (ExAC no frequency). This variant has not been reported in the literature in individuals with PIGG-related disease. Algorithms developed to predict the effect of missense changes on protein structure and function do not agree on the potential impact of this missense change (SIFT: "Deleterious"; PolyPhen-2: "Probably Damaging"; Align-GVGD: "Class C0"). In summary, the available evidence is currently insufficient to determine the role of this variant in disease. Therefore, it has been classified as a Variant of Uncertain Significance.

NM_001127178.3(PIGG):c.166A>G (p.Asn56Asp)

Gene: PIGG (phosphatidylinositol glycan anchor biosynthesis class G (EMM blood group); plus strand). Cytogenetic location: 4p16.3.
Variant type: single nucleotide variant.
Coding change: c.166A>G on transcript NM_001127178.3 (MANE Select); coding-DNA position 166, A replaced by G.
Protein change: p.Asn56Asp; replaces asparagine 56 with aspartic acid.
Molecular consequence: missense variant. On other transcripts: 5 prime UTR variant (10), non-coding transcript variant (10).
Genome position (GRCh38, 1-based): chr4:500,407, A>G. VCF-style: chr4-500407-A-G. GRCh37 (hg19) VCF-style: chr4-494196-A-G.
Other names: c.-102A>G (NM_001289051.2, NM_001289053.2, NM_001289057.2 and 2 more transcripts); c.166A>G, p.Asn56Asp (NM_001289052.2, NM_001345989.2, NM_017733.5); c.-271A>G (NM_001289055.2); c.-722A>G (NM_001345988.2); c.-1460A>G (NM_001345990.2); c.-1322A>G (NM_001345991.2); c.-1047A>G (NM_001345994.2); short protein forms N56D.
Identifiers: ClinVar variation 569784 (VCV000569784.9), dbSNP rs1186069679, ClinGen allele CA355890462.